The following is an entry in ClinVar:

NM_001114753.3(ENG):c.1833G>A (p.Trp611Ter)

Gene: ENG (endoglin; minus strand). Cytogenetic location: 9q34.11.
Variant type: single nucleotide variant.
Coding change: c.1833G>A on transcript NM_001114753.3 (MANE Select); coding-DNA position 1833, G replaced by A.
Protein change: p.Trp611Ter; replaces tryptophan 611 with a stop codon.
Molecular consequence: nonsense.
Genome position (GRCh38, 1-based): chr9:127,815,962, C>T on the plus strand (G>A on the coding strand, the complement: ENG is on the minus strand). VCF-style: chr9-127815962-C-T. GRCh37 (hg19) VCF-style: chr9-130578241-C-T.
Other names: p.Trp611*; c.1833G>A, p.Trp611Ter (NM_000118.4); c.1287G>A, p.Trp429Ter (NM_001278138.2); short protein forms W429*, W611*.
Identifiers: ClinVar variation 3381054 (VCV003381054.4).

ClinVar aggregate classification (germline): Pathogenic/Likely pathogenic. Review status: criteria provided, multiple submitters, no conflicts (2 of 4 stars). 3 submissions from 3 submitters: Pathogenic (1); Likely pathogenic (2). Last evaluated 2026-01-29.

Conditions:
Telangiectasia, hereditary hemorrhagic, type 1 (HHT1). Also called: Osler Weber Rendu syndrome type 1; ENG-Related Hereditary Hemorrhagic Telangiectasia. Identifiers: Orphanet 774, MedGen C4551861, MONDO:0008535, OMIM 187300. Disease mechanism: loss of function.
Hereditary hemorrhagic telangiectasia (HHT). Also called: ORW DISEASE; Osler Weber Rendu syndrome; OSLER-RENDU-WEBER DISEASE; Osler hemorrhagic telangiectasia syndrome. Identifiers: Orphanet 774, MedGen C0039445, MONDO:0019180. Disease mechanism: loss of function.

Submissions (3):

Victorian Clinical Genetics Services, Murdoch Childrens Research Institute
Classification: Likely pathogenic for Telangiectasia, hereditary hemorrhagic, type 1. Last evaluated: 2026-01-29. Review status: criteria provided, single submitter. Criteria: ACMG Guidelines, 2015. Collection method: clinical testing. Allele origin: germline. Affected: yes.
Comment: This variant is classified as Likely pathogenic. Evidence in support of pathogenic classification: Variant is predicted to result in a truncated protein (premature termination codon is NOT located at least 54 nucleotides upstream of the final exon-exon junction) with less than 1/3 of the protein sequence affected; Variant is absent from gnomAD (v2, v3 and v4); This variant has moderate previous evidence of pathogenicity in unrelated individuals. This variant has been classified as pathogenic and likely pathogenic by clinical laboratories in ClinVar. In at least one of the individuals reported by these laboratories the variant was listed as de novo. This variant has also been reported in the literature in an individual with features suggestive of telangiectasia (DOI 10.7326/aimcc.2024.0746). Additional information: This variant is heterozygous; This gene is associated with autosomal dominant disease; No published evidence of segregation with disease has been identified for this variant; No published functional evidence has been identified for this variant; Another protein truncating variant(s) comparable to the one identified in this case has inconclusive previous evidence for pathogenicity. p.(Ser615*) has been classified as a VUS by a clinical laboratory in ClinVar; Dominant negative and loss of function are known mechanisms of disease in this gene and are associated with type 1 hereditary haemorrhagic telangiectasia (MIM#187300). Pathogenic missense variants have been demonstrated to have dominant negative and loss of function effects, while premature termination variants are associated with a loss of function mechanism (PMIDs: 25080347, 25312062); The condition associated with this gene has incomplete penetrance. Age-dependent penetrance has been reported, with the presence of one clinical manifestation approaching 100% by age 35 (ClinGen HHT expert panel); Variants in this gene are known to have variable expressivity. Clinical expression is highly variable with many affected individuals remaining undiagnosed (ClinGen HHT expert panel); Parental origin of the variant is unresolved.

Labcorp Genetics (formerly Invitae), Labcorp
Classification: Pathogenic for Hereditary hemorrhagic telangiectasia. Last evaluated: 2024-08-14. Review status: criteria provided, single submitter. Criteria: Invitae Variant Classification Sherloc (09022015). Collection method: clinical testing. Allele origin: germline.
Comment: This sequence change creates a premature translational stop signal (p.Trp611*) in the ENG gene. While this is not anticipated to result in nonsense mediated decay, it is expected to disrupt the last 15 amino acid(s) of the ENG protein. This variant is not present in population databases (gnomAD no frequency). This premature translational stop signal has been observed in individual(s) with hereditary hemorrhagic telangiectasia (Invitae). In at least one individual the variant was observed to be de novo. This variant disrupts a region of the ENG protein in which other variant(s) (p.Ile613Cysfs*12) have been observed in individuals with ENG-related conditions (Invitae). This suggests that this is a clinically significant region of the protein, and that variants that disrupt it are likely to be disease-causing. For these reasons, this variant has been classified as Pathogenic.

Mayo Clinic Laboratories, Mayo Clinic
Classification: Likely pathogenic. Last evaluated: 2023-12-14. Review status: criteria provided, single submitter. Criteria: ACMG Guidelines, 2015. Collection method: clinical testing. Allele origin: germline. Observed: 1 variant allele.
Comment: PM2, PS3_supporting, PVS1_strong

Literature cited by the submitters: PubMed 25312062 (cited by Victorian Clinical Genetics Services, Murdoch Childrens Research Institute); PubMed 25080347 (cited by Victorian Clinical Genetics Services, Murdoch Childrens Research Institute).